The following is an entry in ClinVar:

NM_005859.5(PURA):c.671del (p.Ser223_Leu224insTer)

Gene: PURA (purine rich element binding protein A; plus strand). Cytogenetic location: 5q31.3.
Variant type: Deletion.
Coding change: c.671del on transcript NM_005859.5 (MANE Select); coding-DNA position 671, one base deleted (T; older notation c.671delT).
Protein change: p.Ser223_Leu224insTer.
Molecular consequence: nonsense.
Genome position (GRCh38, 1-based): chr5:140,114,852, T deleted; the last of 2 consecutive T bases (chr5:140,114,851-140,114,852); deleting either gives the same sequence. VCF-style (leftmost placement, unchanged base first): chr5-140114850-CT-C. GRCh37 (hg19) VCF-style: chr5-139494435-CT-C.
Identifiers: ClinVar variation 2815215 (VCV002815215.3), dbSNP rs2479505873, ClinGen allele CA2739275109.

ClinVar aggregate classification (germline): Pathogenic (1 of 4 stars; one submission).

Conditions:
PURA-related severe neonatal hypotonia-seizures-encephalopathy syndrome (NEDRIHF). Also called: PURA-Related Neurodevelopmental Disorders; NEURODEVELOPMENTAL DISORDER WITH NEONATAL RESPIRATORY INSUFFICIENCY, HYPOTONIA, AND FEEDING DIFFICULTIES. Identifiers: Orphanet 438213, Orphanet 438216, MedGen C4015357, MONDO:1060108, OMIM 616158, MONDO:0018580.

Submission:

Labcorp Genetics (formerly Invitae), Labcorp
Classification: Pathogenic for PURA-related severe neonatal hypotonia-seizures-encephalopathy syndrome. Last evaluated: 2022-11-19. Review status: criteria provided, single submitter. Criteria: Invitae Variant Classification Sherloc (09022015). Collection method: clinical testing. Allele origin: germline.
Comment: This variant has not been reported in the literature in individuals affected with PURA-related conditions. This variant is not present in population databases (gnomAD no frequency). This sequence change creates a premature translational stop signal (p.Leu224*) in the PURA gene. While this is not anticipated to result in nonsense mediated decay, it is expected to disrupt the last 99 amino acid(s) of the PURA protein. This variant disrupts a region of the PURA protein in which other variant(s) (p.Thr310Asnfs*7 ) have been determined to be pathogenic (Invitae). This suggests that this is a clinically significant region of the protein, and that variants that disrupt it are likely to be disease-causing. For these reasons, this variant has been classified as Pathogenic.